The following is an entry in ClinVar:

ClinVar aggregate classification (germline): Uncertain significance. Review status: criteria provided, multiple submitters, no conflicts (2 of 4 stars). 2 submissions from 2 submitters: Uncertain significance (2). Last evaluated 2026-02-01.

Submissions (2):

CeGaT Center for Human Genetics Tuebingen
Classification: Uncertain significance. Last evaluated: 2026-02-01. Review status: criteria provided, single submitter. Criteria: CeGaT Center For Human Genetics Tuebingen Variant Classification Criteria Version 2. Collection method: clinical testing. Allele origin: germline. Affected: yes. Observed: 2 variant alleles.
Comment: IGF1R: PM2, PP3

Labcorp Genetics (formerly Invitae), Labcorp
Classification: Uncertain significance. Last evaluated: 2025-03-11. Review status: criteria provided, single submitter. Criteria: Invitae Variant Classification Sherloc (09022015). Collection method: clinical testing. Allele origin: germline.
Comment: This sequence change falls in intron 1 of the IGF1R gene. It does not directly change the encoded amino acid sequence of the IGF1R protein. It affects a nucleotide within the consensus splice site. This variant is present in population databases (rs779160550, gnomAD 0.01%). This variant has not been reported in the literature in individuals affected with IGF1R-related conditions. ClinVar contains an entry for this variant (Variation ID: 2746030). Variants that disrupt the consensus splice site are a relatively common cause of aberrant splicing (PMID: 17576681, 9536098). Algorithms developed to predict the effect of sequence changes on RNA splicing suggest that this variant may disrupt the consensus splice site. In summary, the available evidence is currently insufficient to determine the role of this variant in disease. Therefore, it has been classified as a Variant of Uncertain Significance.

Literature cited by the submitters: PubMed 17576681 (cited by Labcorp Genetics (formerly Invitae), Labcorp); PubMed 9536098 (cited by Labcorp Genetics (formerly Invitae), Labcorp).

NM_000875.5(IGF1R):c.94+3_94+6del

Genes: IGF1R (insulin like growth factor 1 receptor; plus strand), IRAIN (IGF1R antisense imprinted non-protein coding RNA; minus strand). Cytogenetic location: 15q26.3.
Variant type: Deletion.
Coding change: c.94+3_94+6del on transcript NM_000875.5 (MANE Select); bases 3 to 6 of the intron after coding-DNA position 94, 4 bases deleted (GAGT; older notation c.94+3_94+6delGAGT).
Molecular consequence: splice donor variant. On other transcripts: non-coding transcript variant (1).
Genome position (GRCh38, 1-based): chr15:98,649,678-98,649,681, GAGT deleted; deleting any 4 consecutive bases within chr15:98,649,675-98,649,681 gives the same sequence; the c. name uses the placement nearest the transcript's 3' end. VCF-style (leftmost placement, unchanged base first): chr15-98649674-AAGTG-A. GRCh37 (hg19) VCF-style: chr15-99192903-AAGTG-A.
Other names: c.94+3_94+6del (NM_001291858.2).
Identifiers: ClinVar variation 2746030 (VCV002746030.13), dbSNP rs779160550, ClinGen allele CA7751718.